The following is an entry in ClinVar:

NM_001037333.3(CYFIP2):c.1171G>A (p.Asp391Asn)

Gene: CYFIP2 (cytoplasmic FMR1 interacting protein 2; plus strand). Cytogenetic location: 5q33.3.
Variant type: single nucleotide variant.
Coding change: c.1171G>A on transcript NM_001037333.3 (MANE Select); coding-DNA position 1171, G replaced by A.
Protein change: p.Asp391Asn; replaces aspartic acid 391 with asparagine.
Molecular consequence: missense variant.
Genome position (GRCh38, 1-based): chr5:157,314,404, G>A. VCF-style: chr5-157314404-G-A. GRCh37 (hg19) VCF-style: chr5-156741412-G-A.
Other names: c.1093G>A, p.Asp365Asn (NM_001291721.2); c.1171G>A, p.Asp391Asn (NM_001291722.2, NM_014376.4); short protein forms D391N, D365N.
Identifiers: ClinVar variation 2110808 (VCV002110808.4), dbSNP rs777932320, ClinGen allele CA3533558.

ClinVar aggregate classification (germline): Uncertain significance (1 of 4 stars; one submission).

Allele frequency attached by ClinVar (database versions not stated): gnomAD 0.00001; gnomAD exomes below 0.00001; ExAC 0.00002.
gnomAD v4.1: 3 of 1,613,756 alleles (0.00019%); highest among the groups gnomAD compares: Non-Finnish European, 0.00017%; no homozygotes.

Submission:

Labcorp Genetics (formerly Invitae), Labcorp
Classification: Uncertain significance. Last evaluated: 2025-07-17. Review status: criteria provided, single submitter. Criteria: Invitae Variant Classification Sherloc (09022015). Collection method: clinical testing. Allele origin: germline.
Comment: This sequence change replaces aspartic acid, which is acidic and polar, with asparagine, which is neutral and polar, at codon 391 of the CYFIP2 protein (p.Asp391Asn). This variant is present in population databases (rs777932320, gnomAD 0.004%). This variant has not been reported in the literature in individuals affected with CYFIP2-related conditions. ClinVar contains an entry for this variant (Variation ID: 2110808). Experimental studies and prediction algorithms are not available or were not evaluated, and the functional significance of this variant is currently unknown. In summary, the available evidence is currently insufficient to determine the role of this variant in disease. Therefore, it has been classified as a Variant of Uncertain Significance.